The following is an entry in ClinVar:

ClinVar aggregate classification (germline): Pathogenic (1 of 4 stars; one submission).

Conditions:
Neuropathy, hereditary sensory, type 2C. Also called: KIF1A-Related HSAN2 (HSAN2C); Hereditary sensory and autonomic neuropathy type IIC. Identifiers: Orphanet 970, MedGen C3280168, MONDO:0013634, OMIM 614213.
Intellectual disability, autosomal dominant 9 (NESCAVS). Also called: NESCAV SYNDROME; KIF1A-Related Neurodevelopmental Disorder. Identifiers: Orphanet 662367, MedGen C5393830, MONDO:0013656, OMIM 614255.
Hereditary spastic paraplegia 30. Identifiers: Orphanet 101010, MedGen C5235139, MONDO:0012476.

Submission:

Labcorp Genetics (formerly Invitae), Labcorp
Classification: Pathogenic for Hereditary spastic paraplegia 30; Neuropathy, hereditary sensory, type 2C; Intellectual disability, autosomal dominant 9. Last evaluated: 2020-01-11. Review status: criteria provided, single submitter. Criteria: Invitae Variant Classification Sherloc (09022015). Collection method: clinical testing. Allele origin: germline.
Comment: For these reasons, this variant has been classified as Pathogenic. Advanced modeling of protein sequence and biophysical properties (such as structural, functional, and spatial information, amino acid conservation, physicochemical variation, residue mobility, and thermodynamic stability) performed at Invitae indicates that this missense variant is expected to disrupt KIF1A protein function. This variant has been observed in individual(s) with spastic paraplegia (Invitae). In at least one individual the variant was observed to be de novo. ClinVar contains an entry for this variant (Variation ID: 647033). This variant is not present in population databases (ExAC no frequency). This sequence change replaces leucine with arginine at codon 246 of the KIF1A protein (p.Leu246Arg). The leucine residue is highly conserved and there is a moderate physicochemical difference between leucine and arginine.

NM_001244008.2(KIF1A):c.737T>G (p.Leu246Arg)

Gene: KIF1A (kinesin family member 1A; minus strand). Cytogenetic location: 2q37.3.
Variant type: single nucleotide variant.
Coding change: c.737T>G on transcript NM_001244008.2 (MANE Select); coding-DNA position 737, T replaced by G.
Protein change: p.Leu246Arg; replaces leucine 246 with arginine.
Molecular consequence: missense variant.
Genome position (GRCh38, 1-based): chr2:240,783,800, A>C on the plus strand (T>G on the coding strand, the complement: KIF1A is on the minus strand). VCF-style: chr2-240783800-A-C. GRCh37 (hg19) VCF-style: chr2-241723217-A-C.
Other names: c.737T>G, p.Leu246Arg (NM_001320705.2, NM_001330289.2, NM_001330290.2 and 20 more transcripts); short protein forms L246R.
Identifiers: ClinVar variation 647033 (VCV000647033.11), dbSNP rs1575626071, ClinGen allele CA351303351.